The following is an entry in ClinVar:

NM_002691.4(POLD1):c.316+4A>C

Gene: POLD1 (DNA polymerase delta 1, catalytic subunit; plus strand). Cytogenetic location: 19q13.33.
Variant type: single nucleotide variant.
Coding change: c.316+4A>C on transcript NM_002691.4 (MANE Select); 4 bases into the intron after coding-DNA position 316, A replaced by C.
Molecular consequence: intron variant.
Genome position (GRCh38, 1-based): chr19:50,399,488, A>C. VCF-style: chr19-50399488-A-C. GRCh37 (hg19) VCF-style: chr19-50902745-A-C.
Other names: c.316+4A>C (LRG_785t1, LRG_785t2, NM_001256849.1 and 1 more transcripts).
Identifiers: ClinVar variation 644382 (VCV000644382.6), dbSNP rs1601191006, ClinGen allele CA915951913.

ClinVar aggregate classification (germline): Uncertain significance (1 of 4 stars; one submission).

Conditions:
POLD1-related polyposis and colorectal cancer syndrome (CRCS10). Also called: Colorectal cancer, susceptibility to, 10; Colorectal cancer 10; COLORECTAL CANCER, SUSCEPTIBILITY TO, ON CHROMOSOME 19q. Identifiers: Orphanet 220460, MedGen C2675481, MONDO:0012953, OMIM 612591.

Submission:

Labcorp Genetics (formerly Invitae), Labcorp
Classification: Uncertain significance for POLD1-related polyposis and colorectal cancer syndrome. Last evaluated: 2024-04-20. Review status: criteria provided, single submitter. Criteria: Invitae Variant Classification Sherloc (09022015). Collection method: clinical testing. Allele origin: germline.
Comment: This sequence change falls in intron 3 of the POLD1 gene. It does not directly change the encoded amino acid sequence of the POLD1 protein. It affects a nucleotide within the consensus splice site. This variant is not present in population databases (gnomAD no frequency). This variant has not been reported in the literature in individuals affected with POLD1-related conditions. ClinVar contains an entry for this variant (Variation ID: 644382). Variants that disrupt the consensus splice site are a relatively common cause of aberrant splicing (PMID: 17576681, 9536098). Algorithms developed to predict the effect of sequence changes on RNA splicing suggest that this variant may disrupt the consensus splice site. In summary, the available evidence is currently insufficient to determine the role of this variant in disease. Therefore, it has been classified as a Variant of Uncertain Significance.

Literature cited by the submitters: PubMed 17576681; PubMed 9536098.